The following is an entry in ClinVar:

ClinVar aggregate classification (germline): Uncertain significance. Review status: criteria provided, multiple submitters, no conflicts (2 of 4 stars). 2 submissions from 2 submitters: Uncertain significance (2). Last evaluated 2024-11-18.

Conditions:
Kleefstra syndrome 2 (KLEFS2). Identifiers: MedGen C4540395, MONDO:0054701, OMIM 617768.

gnomAD v4.1: 1 of 1,614,074 alleles (0.000062%); highest among the groups gnomAD compares: Non-Finnish European, 0.000085%; no homozygotes.

Submissions (2):

Servicio de Genética Del Instituto Nacional de Salud Del Niño, Ministerio de Salud
Classification: Uncertain significance for Kleefstra syndrome 2. Last evaluated: 2024-11-18. Review status: criteria provided, single submitter. Criteria: ACMG Guidelines, 2015. Collection method: clinical testing. Allele origin: germline. Inheritance: Autosomal dominant inheritance.
Comment: The variant NM_170606.3:c.6401C>A, p.Pro2134His results in the substitution of proline with histidine at position 2134 in the protein. Proline is a structurally rigid amino acid, and its substitution with histidine, which has a polar imidazole side chain, could affect the protein's structure and function. According to ACMG/AMP guidelines, based on evidence from PM2, this variant is classified as uncertain significance.

GeneDx
Classification: Uncertain significance. Last evaluated: 2024-10-16. Review status: criteria provided, single submitter. Criteria: GeneDx Variant Classification Process June 2021. Collection method: clinical testing. Allele origin: germline. Affected: yes.
Comment: Not observed at significant frequency in large population cohorts (gnomAD); In silico analysis supports that this missense variant has a deleterious effect on protein structure/function; Has not been previously published as pathogenic or benign to our knowledge

NM_170606.3(KMT2C):c.6401C>A (p.Pro2134His)

Gene: KMT2C (lysine methyltransferase 2C; minus strand). Cytogenetic location: 7q36.1.
Variant type: single nucleotide variant.
Coding change: c.6401C>A on transcript NM_170606.3 (MANE Select); coding-DNA position 6401, C replaced by A.
Protein change: p.Pro2134His; replaces proline 2134 with histidine.
Molecular consequence: missense variant.
Genome position (GRCh38, 1-based): chr7:152,181,459, G>T on the plus strand (C>A on the coding strand, the complement: KMT2C is on the minus strand). VCF-style: chr7-152181459-G-T. GRCh37 (hg19) VCF-style: chr7-151878544-G-T.
Other names: c.6401C>A (NM_170606.2); short protein forms P2134H.
Identifiers: ClinVar variation 3381233 (VCV003381233.3).